The following is an entry in ClinVar:

NM_001723.7(DST):c.6862A>C (p.Asn2288His)

Gene: DST (dystonin; minus strand). Cytogenetic location: 6p12.1.
Variant type: single nucleotide variant.
Coding change: c.6862A>C on transcript NM_001723.7 (MANE Plus Clinical); coding-DNA position 6862, A replaced by C.
Protein change: p.Asn2288His; replaces asparagine 2288 with histidine.
Molecular consequence: missense variant. On other transcripts: intron variant (10).
Genome position (GRCh38, 1-based): chr6:56,616,605, T>G on the plus strand (A>C on the coding strand, the complement: DST is on the minus strand). VCF-style: chr6-56616605-T-G. GRCh37 (hg19) VCF-style: chr6-56481403-T-G.
Other names: c.4831-2121A>C (NM_001144769.5); c.4930-2121A>C (NM_001374722.1, NM_001374736.1); c.4957-2121A>C (NM_001374734.1); c.4417-2121A>C (NM_001144770.2); c.4297-2121A>C (NM_001374730.1, NM_001386100.1, NM_183380.4 and 1 more transcripts); c.3319-2121A>C (NM_015548.5); short protein forms N2288H.
Identifiers: ClinVar variation 1975090 (VCV001975090.5), dbSNP rs370525189, ClinGen allele CA139207795.

ClinVar aggregate classification (germline): Uncertain significance (1 of 4 stars; one submission).

Conditions:
Hereditary sensory and autonomic neuropathy type 6. Also called: Neuropathy, hereditary sensory and autonomic, type VI; HSAN VI. Identifiers: Orphanet 314381, MedGen C3539003, MONDO:0013839, OMIM 614653.
Epidermolysis bullosa simplex 3, localized or generalized intermediate, with BP230 deficiency (EBS3). Also called: Epidermolysis bullosa simplex, autosomal recessive 2; Epidermolysis bullosa simplex due to BP230 deficiency. Identifiers: Orphanet 412181, MedGen C3809470, MONDO:0014180, OMIM 615425.

gnomAD v4.1: 1 of 1,614,194 alleles (0.000062%); highest among the groups gnomAD compares: East Asian, 0.0022%; no homozygotes.

Submission:

Labcorp Genetics (formerly Invitae), Labcorp
Classification: Uncertain significance for Epidermolysis bullosa simplex 3, localized or generalized intermediate, with BP230 deficiency; Hereditary sensory and autonomic neuropathy type 6. Last evaluated: 2021-12-24. Review status: criteria provided, single submitter. Criteria: Invitae Variant Classification Sherloc (09022015). Collection method: clinical testing. Allele origin: germline.
Comment: This sequence change replaces asparagine, which is neutral and polar, with histidine, which is basic and polar, at codon 2288 of the DST protein (p.Asn2288His). This variant is present in population databases (rs370525189, gnomAD 0.006%). This variant has not been reported in the literature in individuals affected with DST-related conditions. Algorithms developed to predict the effect of missense changes on protein structure and function (SIFT, PolyPhen-2, Align-GVGD) all suggest that this variant is likely to be disruptive. In summary, the available evidence is currently insufficient to determine the role of this variant in disease. Therefore, it has been classified as a Variant of Uncertain Significance.